The following is an entry in ClinVar:

ClinVar aggregate classification (germline): Uncertain significance (1 of 4 stars; one submission).

Conditions:
Charcot-Marie-Tooth disease type 2. Also called: Charcot-Marie-Tooth type 2. Identifiers: Orphanet 64746, MedGen C0270914, MONDO:0018993.

Submission:

Labcorp Genetics (formerly Invitae), Labcorp
Classification: Uncertain significance for Charcot-Marie-Tooth disease type 2. Last evaluated: 2023-01-25. Review status: criteria provided, single submitter. Criteria: Invitae Variant Classification Sherloc (09022015). Collection method: clinical testing. Allele origin: germline.
Comment: In summary, the available evidence is currently insufficient to determine the role of this variant in disease. Therefore, it has been classified as a Variant of Uncertain Significance. Advanced modeling of protein sequence and biophysical properties (such as structural, functional, and spatial information, amino acid conservation, physicochemical variation, residue mobility, and thermodynamic stability) performed at Invitae indicates that this missense variant is not expected to disrupt GARS protein function. This variant has not been reported in the literature in individuals affected with GARS-related conditions. This variant is not present in population databases (gnomAD no frequency). This sequence change replaces valine, which is neutral and non-polar, with alanine, which is neutral and non-polar, at codon 71 of the GARS protein (p.Val71Ala).

NM_002047.4(GARS1):c.212T>C (p.Val71Ala)

Gene: GARS1 (glycyl-tRNA synthetase 1; plus strand). Cytogenetic location: 7p14.3.
Variant type: single nucleotide variant.
Coding change: c.212T>C on transcript NM_002047.4 (MANE Select); coding-DNA position 212, T replaced by C.
Protein change: p.Val71Ala; replaces valine 71 with alanine.
Molecular consequence: missense variant.
Genome position (GRCh38, 1-based): chr7:30,595,133, T>C. VCF-style: chr7-30595133-T-C. GRCh37 (hg19) VCF-style: chr7-30634749-T-C.
Other names: c.50T>C, p.Val17Ala (NM_001316772.1); short protein forms V71A, V17A.
Identifiers: ClinVar variation 3022343 (VCV003022343.3), dbSNP rs2534281070, ClinGen allele CA367138762.
Genomic context (GRCh38, chr7:30,595,133, plus strand): 5'-CCCGGAGCAGCATGGACGGCGCGGGGGCTGAGGAGGTGCTGGCACCTCTGAGGCTAGCAG[T>C]GCGCCAGCAGGTACCGGTGTTTTGCGCTCTCCGCTAAGCCTCCGGCTCTCCTCCCAGGGC-3'
Protein context (NP_002038.2, residues 61-81): EEVLAPLRLA[Val71Ala]RQQGDLVRKL